The following is an entry in ClinVar:

NM_004795.4(KL):c.536G>A (p.Arg179Gln)

Gene: KL (klotho; plus strand). Cytogenetic location: 13q13.1.
Variant type: single nucleotide variant.
Coding change: c.536G>A on transcript NM_004795.4 (MANE Select); coding-DNA position 536, G replaced by A.
Protein change: p.Arg179Gln; replaces arginine 179 with glutamine.
Molecular consequence: missense variant.
Genome position (GRCh38, 1-based): chr13:33,016,976, G>A. VCF-style: chr13-33016976-G-A. GRCh37 (hg19) VCF-style: chr13-33591114-G-A.
Other names: short protein forms R179Q.
Identifiers: ClinVar variation 1352549 (VCV001352549.8), dbSNP rs2138183423, ClinGen allele CA387781807.

ClinVar aggregate classification (germline): Uncertain significance (1 of 4 stars; one submission).

Allele frequency attached by ClinVar (database versions not stated): gnomAD exomes below 0.00001.
gnomAD v4.1: 3 of 1,596,512 alleles (0.00019%); highest among the groups gnomAD compares: Non-Finnish European, 0.00026%; no homozygotes.

Submission:

Labcorp Genetics (formerly Invitae), Labcorp
Classification: Uncertain significance. Last evaluated: 2021-06-25. Review status: criteria provided, single submitter. Criteria: Invitae Variant Classification Sherloc (09022015). Collection method: clinical testing. Allele origin: germline.
Comment: This sequence change replaces arginine with glutamine at codon 179 of the KL protein (p.Arg179Gln). The arginine residue is moderately conserved and there is a small physicochemical difference between arginine and glutamine. This variant is not present in population databases (ExAC no frequency). This variant has not been reported in the literature in individuals affected with KL-related conditions. Algorithms developed to predict the effect of missense changes on protein structure and function (SIFT, PolyPhen-2, Align-GVGD) all suggest that this variant is likely to be tolerated. Algorithms developed to predict the effect of sequence changes on RNA splicing suggest that this variant may create or strengthen a splice site. In summary, the available evidence is currently insufficient to determine the role of this variant in disease. Therefore, it has been classified as a Variant of Uncertain Significance.